The following is an entry in ClinVar:

ClinVar aggregate classification (germline): Uncertain significance. Review status: criteria provided, multiple submitters, no conflicts (2 of 4 stars). 2 submissions from 2 submitters: Uncertain significance (2). Last evaluated 2023-11-30.

Conditions:
Hereditary cancer-predisposing syndrome. Also called: Tumor predisposition; Hereditary neoplastic syndrome; Hereditary Cancer Syndrome; Neoplastic Syndromes, Hereditary. Identifiers: Orphanet 140162, MedGen C0027672, MeSH D009386, MONDO:0015356.

Allele frequency attached by ClinVar (database versions not stated): TOPMed 0.00001.

Submissions (2):

Ambry Genetics
Classification: Uncertain significance for Hereditary cancer-predisposing syndrome. Last evaluated: 2023-11-30. Review status: criteria provided, single submitter. Criteria: Ambry Variant Classification Scheme 2023. Collection method: clinical testing. Allele origin: germline.
Comment: The p.P1919L variant (also known as c.5756C>T), located in coding exon 42 of the POLE gene, results from a C to T substitution at nucleotide position 5756. The proline at codon 1919 is replaced by leucine, an amino acid with similar properties. This amino acid position is conserved. In addition, this alteration is predicted to be tolerated by in silico analysis. Since supporting evidence is limited at this time, the clinical significance of this alteration remains unclear.

Labcorp Genetics (formerly Invitae), Labcorp
Classification: Uncertain significance. Last evaluated: 2022-09-29. Review status: criteria provided, single submitter. Criteria: Invitae Variant Classification Sherloc (09022015). Collection method: clinical testing. Allele origin: germline.
Comment: In summary, the available evidence is currently insufficient to determine the role of this variant in disease. Therefore, it has been classified as a Variant of Uncertain Significance. Advanced modeling of protein sequence and biophysical properties (such as structural, functional, and spatial information, amino acid conservation, physicochemical variation, residue mobility, and thermodynamic stability) performed at Invitae indicates that this missense variant is not expected to disrupt POLE protein function. ClinVar contains an entry for this variant (Variation ID: 576099). This variant has not been reported in the literature in individuals affected with POLE-related conditions. This variant is not present in population databases (gnomAD no frequency). This sequence change replaces proline, which is neutral and non-polar, with leucine, which is neutral and non-polar, at codon 1919 of the POLE protein (p.Pro1919Leu).

NM_006231.4(POLE):c.5756C>T (p.Pro1919Leu)

Gene: POLE (DNA polymerase epsilon, catalytic subunit; minus strand). Cytogenetic location: 12q24.33.
Variant type: single nucleotide variant.
Coding change: c.5756C>T on transcript NM_006231.4 (MANE Select); coding-DNA position 5756, C replaced by T.
Protein change: p.Pro1919Leu; replaces proline 1919 with leucine.
Molecular consequence: missense variant.
Genome position (GRCh38, 1-based): chr12:132,635,947, G>A on the plus strand (C>T on the coding strand, the complement: POLE is on the minus strand). VCF-style: chr12-132635947-G-A. GRCh37 (hg19) VCF-style: chr12-133212533-G-A.
Other names: short protein forms P1919L.
Identifiers: ClinVar variation 576099 (VCV000576099.13), dbSNP rs1235640927, ClinGen allele CA387372965.
Genomic context (GRCh38, chr12:132,635,947, plus strand): 5'-CTTACCAGTCCACAGTGAATACGAGATGAAACTTTTCCTTTGATTCCGCCATAGTTAGAT[G>A]GATCCATCCAGAGAAGAAATTCCCAGCATCGAGAGAAAGAAATTGTCAGAGAATGGAAGG-3'
Protein context (NP_006222.2, residues 1909-1929): RCWEFLLWMD[Pro1919Leu]SNYGGIKGKV